The following is an entry in ClinVar:

ClinVar aggregate classification (germline): Uncertain significance. Review status: criteria provided, multiple submitters, no conflicts (2 of 4 stars). 3 submissions from 3 submitters: Uncertain significance (3). Last evaluated 2025-03-21.

Conditions:
Hereditary cancer-predisposing syndrome. Also called: Hereditary neoplastic syndrome; Tumor predisposition; Neoplastic Syndromes, Hereditary; Hereditary Cancer Syndrome. Identifiers: Orphanet 140162, MedGen C0027672, MeSH D009386, MONDO:0015356.
Peutz-Jeghers syndrome (PJS). Also called: Peutz-Jeghers polyposis; Periorificial lentiginosis syndrome; POLYPOSIS, HAMARTOMATOUS INTESTINAL; POLYPS-AND-SPOTS SYNDROME. Identifiers: Orphanet 2869, MedGen C0031269, MeSH D010580, MONDO:0008280, OMIM 175200.

Submissions (3):

Ambry Genetics
Classification: Uncertain significance for Hereditary cancer-predisposing syndrome. Last evaluated: 2025-03-21. Review status: criteria provided, single submitter. Criteria: Ambry Variant Classification Scheme 2023. Collection method: clinical testing. Allele origin: germline.
Comment: The p.K108R variant (also known as c.323A>G), located in coding exon 2 of the STK11 gene, results from an A to G substitution at nucleotide position 323. The lysine at codon 108 is replaced by arginine, an amino acid with highly similar properties. This alteration was reported in an individual with a clinical diagnosis of sporadic Peutz-Jeghers syndrome (PJS); specific features included 10 PJS polyps and classical pigmentation (Wang ZJ et al. J. Med. Genet., 1999 May;36:365-8). This amino acid position is not well conserved in available vertebrate species, and arginine is the reference amino acid in other vertebrate species. In addition, the in silico prediction for this alteration is inconclusive. Since supporting evidence is limited and conflicting at this time, the clinical significance of this alteration remains unclear.

All of Us Research Program, National Institutes of Health
Classification: Uncertain significance for Peutz-Jeghers syndrome. Last evaluated: 2024-09-23. Review status: criteria provided, single submitter. Criteria: ACMG Guidelines, 2015. Collection method: clinical testing. Allele origin: germline. Inheritance: Autosomal dominant inheritance. Observed: 1 variant allele, 1 heterozygote.
Comment: This missense variant replaces lysine with arginine at codon 108 of the STK11 protein. Computational prediction suggests that this variant may not impact protein structure and function (internally defined REVEL score threshold <= 0.5, PMID: 27666373). To our knowledge, functional studies have not been reported for this variant. This variant has not been reported in individuals affected with hereditary cancer in the literature. This variant has not been identified in the general population by the Genome Aggregation Database (gnomAD). The available evidence is insufficient to determine the role of this variant in disease conclusively. Therefore, this variant is classified as a Variant of Uncertain Significance.

This study involves interpretation of variants in research participants for the purpose of population health screening. Participant phenotype was not available at the time of variant classification. Additional details can be found in publication PMID: 35346344, PMCID: PMC8962531

Labcorp Genetics (formerly Invitae), Labcorp
Classification: Uncertain significance for Peutz-Jeghers syndrome. Last evaluated: 2024-03-06. Review status: criteria provided, single submitter. Criteria: Invitae Variant Classification Sherloc (09022015). Collection method: clinical testing. Allele origin: germline.
Comment: This sequence change replaces lysine, which is basic and polar, with arginine, which is basic and polar, at codon 108 of the STK11 protein (p.Lys108Arg). This variant is not present in population databases (gnomAD no frequency). This missense change has been observed in individual(s) with clinical features of Peutz-Jeghers syndrome (PMID: 10353780). ClinVar contains an entry for this variant (Variation ID: 376743). Advanced modeling of protein sequence and biophysical properties (such as structural, functional, and spatial information, amino acid conservation, physicochemical variation, residue mobility, and thermodynamic stability) performed at Invitae indicates that this missense variant is not expected to disrupt STK11 protein function with a negative predictive value of 95%. In summary, the available evidence is currently insufficient to determine the role of this variant in disease. Therefore, it has been classified as a Variant of Uncertain Significance.

Literature cited by the submitters: PubMed 10353780 (cited by Ambry Genetics and Labcorp Genetics (formerly Invitae), Labcorp).

NM_000455.5(STK11):c.323A>G (p.Lys108Arg)

Gene: STK11 (serine/threonine kinase 11; plus strand). Cytogenetic location: 19p13.3.
Variant type: single nucleotide variant.
Coding change: c.323A>G on transcript NM_000455.5 (MANE Select); coding-DNA position 323, A replaced by G.
Protein change: p.Lys108Arg; replaces lysine 108 with arginine.
Molecular consequence: missense variant.
Genome position (GRCh38, 1-based): chr19:1,218,449, A>G. VCF-style: chr19-1218449-A-G. GRCh37 (hg19) VCF-style: chr19-1218448-A-G.
Other names: short protein forms K108R.
Identifiers: ClinVar variation 376743 (VCV000376743.14), dbSNP rs1057520040, ClinGen allele CA16603149.
Genomic context (GRCh38, chr19:1,218,449, plus strand): 5'-TGATACACCCCTGTCCTCTCTGTCCCAGGGAAATTCAACTACTGAGGAGGTTACGGCACA[A>G]AAATGTCATCCAGCTGGTGGATGTGTTATACAACGAAGAGAAGCAGAAAATATATCCTTT-3'
Protein context (NP_000446.1, residues 98-118): EIQLLRRLRH[Lys108Arg]NVIQLVDVLY